The following is an entry in ClinVar:

ClinVar aggregate classification (germline): Uncertain significance. Review status: criteria provided, multiple submitters, no conflicts (2 of 4 stars). 2 submissions from 2 submitters: Uncertain significance (2). Last evaluated 2025-08-10.

Conditions:
MHC class I deficiency. Identifiers: Orphanet 34592, MedGen C6024714, MONDO:0011476.

gnomAD v4.1: 4 of 1,614,072 alleles (0.00025%); highest among the groups gnomAD compares: African/African-American, 0.0053%; no homozygotes.

Submissions (2):

Labcorp Genetics (formerly Invitae), Labcorp
Classification: Uncertain significance for MHC class I deficiency 1. Last evaluated: 2025-08-10. Review status: criteria provided, single submitter. Criteria: Invitae Variant Classification Sherloc (09022015). Collection method: clinical testing. Allele origin: germline.
Comment: This sequence change replaces alanine, which is neutral and non-polar, with valine, which is neutral and non-polar, at codon 220 of the TAPBP protein (p.Ala220Val). This variant is not present in population databases (gnomAD no frequency). This variant has not been reported in the literature in individuals affected with TAPBP-related conditions. ClinVar contains an entry for this variant (Variation ID: 3324390). An algorithm developed to predict the effect of missense changes on protein structure and function outputs the following: PolyPhen-2: "Benign". The valine amino acid residue is found in multiple mammalian species, which suggests that this missense change does not adversely affect protein function. In summary, the available evidence is currently insufficient to determine the role of this variant in disease. Therefore, it has been classified as a Variant of Uncertain Significance.

Ambry Genetics
Classification: Uncertain significance. Last evaluated: 2024-05-23. Review status: criteria provided, single submitter. Criteria: Ambry Variant Classification Scheme 2023. Collection method: clinical testing. Allele origin: germline.

NM_003190.5(TAPBP):c.659C>T (p.Ala220Val)

Gene: TAPBP (TAP binding protein; minus strand). Cytogenetic location: 6p21.32.
Variant type: single nucleotide variant.
Coding change: c.659C>T on transcript NM_003190.5 (MANE Select); coding-DNA position 659, C replaced by T.
Protein change: p.Ala220Val; replaces alanine 220 with valine.
Molecular consequence: missense variant.
Genome position (GRCh38, 1-based): chr6:33,305,198, G>A on the plus strand (C>T on the coding strand, the complement: TAPBP is on the minus strand). VCF-style: chr6-33305198-G-A. GRCh37 (hg19) VCF-style: chr6-33272975-G-A.
Other names: c.659C>T, p.Ala220Val (NM_001410875.1, NM_172208.3); c.398C>T, p.Ala133Val (NM_172209.3); short protein forms A220V, A133V.
Identifiers: ClinVar variation 3324390 (VCV003324390.2).